The following is an entry in ClinVar:

NM_002890.3(RASA1):c.1453G>C (p.Gly485Arg)

Genes: CCNH (cyclin H; minus strand), RASA1 (RAS p21 protein activator 1; plus strand). Cytogenetic location: 5q14.3.
Variant type: single nucleotide variant.
Coding change: c.1453G>C on transcript NM_002890.3 (MANE Select); coding-DNA position 1453, G replaced by C.
Protein change: p.Gly485Arg; replaces glycine 485 with arginine.
Molecular consequence: missense variant. On other transcripts: intron variant (1).
Genome position (GRCh38, 1-based): chr5:87,362,671, G>C. VCF-style: chr5-87362671-G-C. GRCh37 (hg19) VCF-style: chr5-86658488-G-C.
Other names: c.922G>C, p.Gly308Arg (NM_022650.3); c.933+32373C>G (NM_001364075.2); short protein forms G308R, G485R.
Identifiers: ClinVar variation 4714022 (VCV004714022.1).
Genomic context (GRCh38, chr5:87,362,671, plus strand): 5'-CGTAAAACAAAGGATGCCTTTTATAAAAACATTGTTAAGAAAGGTTATCTTCTGAAAAAG[G>C]GTAAGTTCAGACTTTTATCATTAACCCATTTGATAGAGACGTTGTAAATATGGAGCTCCG-3'
Protein context (NP_002881.1, residues 475-495): IVKKGYLLKK[Gly485Arg]KGKRWKNLYF

ClinVar aggregate classification (germline): Uncertain significance (1 of 4 stars; one submission).

Conditions:
Capillary malformation-arteriovenous malformation syndrome. Also called: Capillary malformation-arteriovenous malformation. Identifiers: Orphanet 137667, MedGen C1842180, MONDO:0012016.

Submission:

Labcorp Genetics (formerly Invitae), Labcorp
Classification: Uncertain significance for Capillary malformation-arteriovenous malformation syndrome. Last evaluated: 2025-02-27. Review status: criteria provided, single submitter. Criteria: Invitae Variant Classification Sherloc (09022015). Collection method: clinical testing. Allele origin: germline.
Comment: This sequence change replaces glycine, which is neutral and non-polar, with arginine, which is basic and polar, at codon 485 of the RASA1 protein (p.Gly485Arg). This variant also falls at the last nucleotide of exon 10, which is part of the consensus splice site for this exon. This variant is not present in population databases (gnomAD no frequency). This variant has not been reported in the literature in individuals affected with RASA1-related conditions. An algorithm developed to predict the effect of missense changes on protein structure and function (PolyPhen-2) suggests that this variant is likely to be disruptive. Variants that disrupt the consensus splice site are a relatively common cause of aberrant splicing (PMID: 17576681, 9536098). In summary, the available evidence is currently insufficient to determine the role of this variant in disease. Therefore, it has been classified as a Variant of Uncertain Significance.

Literature cited by the submitters: PubMed 17576681; PubMed 9536098.